The following is an entry in ClinVar:

ClinVar aggregate classification (germline): Pathogenic (1 of 4 stars; one submission).

Conditions:
Hereditary cancer-predisposing syndrome. Also called: Hereditary neoplastic syndrome; Neoplastic Syndromes, Hereditary; Tumor predisposition; Hereditary Cancer Syndrome. Identifiers: Orphanet 140162, MedGen C0027672, MeSH D009386, MONDO:0015356.

Submission:

Ambry Genetics
Classification: Pathogenic for Hereditary cancer-predisposing syndrome. Last evaluated: 2022-08-24. Review status: criteria provided, single submitter. Criteria: Ambry Variant Classification Scheme 2023. Collection method: clinical testing. Allele origin: germline.
Comment: The c.7185_7186delTA pathogenic mutation, located in coding exon 48 of the ATM gene, results from a deletion of two nucleotides at nucleotide positions 7185 to 7186, causing a translational frameshift with a predicted alternate stop codon (p.T2396Sfs*6). This alteration is expected to result in loss of function by premature protein truncation or nonsense-mediated mRNA decay. As such, this alteration is interpreted as a disease-causing mutation.

NM_000051.4(ATM):c.7185_7186del (p.Thr2396fs)

Genes: ATM (ATM serine/threonine kinase; plus strand), C11orf65 (chromosome 11 open reading frame 65; minus strand). Cytogenetic location: 11q22.3.
Variant type: Deletion.
Coding change: c.7185_7186del on transcript NM_000051.4 (MANE Select); coding-DNA positions 7185 to 7186, 2 bases deleted (TA; older notation c.7185_7186delTA).
Protein change: p.Thr2396fs; shifts the reading frame from threonine 2396.
Molecular consequence: frameshift variant. On other transcripts: intron variant (2).
Genome position (GRCh38, 1-based): chr11:108,329,116-108,329,117, TA deleted; deleting any 2 consecutive bases within chr11:108,329,115-108,329,117 gives the same sequence; the c. name uses the placement nearest the transcript's 3' end. VCF-style (leftmost placement, unchanged base first): chr11-108329114-GAT-G. GRCh37 (hg19) VCF-style: chr11-108199841-GAT-G.
Other names: c.7185_7186del, p.Thr2396fs (NM_001351834.2); c.641-20045_641-20044del (NM_001330368.2); c.*38+6104_*38+6105del (NM_001351110.2); short protein forms T2396fs.
Identifiers: ClinVar variation 1757554 (VCV001757554.2), dbSNP rs2547248655, ClinGen allele CA2580083310.